The following is an entry in ClinVar:

NM_018127.7(ELAC2):c.2030-2A>G

Gene: ELAC2 (elaC ribonuclease Z 2; minus strand). Cytogenetic location: 17p12.
Variant type: single nucleotide variant.
Coding change: c.2030-2A>G on transcript NM_018127.7 (MANE Select); the canonical splice acceptor site of the intron before coding-DNA position 2030, A replaced by G.
Molecular consequence: splice acceptor variant.
Genome position (GRCh38, 1-based): chr17:12,994,505, T>C on the plus strand (A>G on the coding strand, the complement: ELAC2 is on the minus strand). VCF-style: chr17-12994505-T-C. GRCh37 (hg19) VCF-style: chr17-12897822-T-C.
Other names: c.1910-2A>G (NM_001165962.2); c.2027-2A>G (NM_173717.2).
Identifiers: ClinVar variation 1484428 (VCV001484428.8), dbSNP rs1033730754, ClinGen allele CA288076230.
Genomic context (GRCh38, chr17:12,994,505, plus strand): 5'-TTCCTCTTCCAAACCATCTTCCAGGGTGGCTTCATGTATCAGGAGGGTGGCATCTTTCCC[T>C]GGAGAAGCAGCACAAGGATCAGGGCAGAGTTCTCTGCGAGAGCGGCACACAGGCCTCAGT-3'

ClinVar aggregate classification (germline): Likely pathogenic (1 of 4 stars; one submission).

Conditions:
Combined oxidative phosphorylation defect type 17. Also called: Combined oxidative phosphorylation deficiency 17. Identifiers: Orphanet 369913, MedGen C3809526, MONDO:0014190, OMIM 615440.

Allele frequency attached by ClinVar (database versions not stated): gnomAD exomes below 0.00001; gnomAD 0.00002; TOPMed 0.00002.
gnomAD v4.1: 7 of 1,614,050 alleles (0.00043%); highest among the groups gnomAD compares: African/African-American, 0.0053%; no homozygotes.

Submission:

Labcorp Genetics (formerly Invitae), Labcorp
Classification: Likely pathogenic for Combined oxidative phosphorylation defect type 17. Last evaluated: 2023-02-19. Review status: criteria provided, single submitter. Criteria: Invitae Variant Classification Sherloc (09022015). Collection method: clinical testing. Allele origin: germline.
Comment: This variant has not been reported in the literature in individuals affected with ELAC2-related conditions. This variant is present in population databases (no rsID available, gnomAD 0.003%). This sequence change affects an acceptor splice site in intron 21 of the ELAC2 gene. It is expected to disrupt RNA splicing. Variants that disrupt the donor or acceptor splice site typically lead to a loss of protein function (PMID: 16199547), and loss-of-function variants in ELAC2 are known to be pathogenic (PMID: 27769300, 31045291). ClinVar contains an entry for this variant (Variation ID: 1484428). In summary, the currently available evidence indicates that the variant is pathogenic, but additional data are needed to prove that conclusively. Therefore, this variant has been classified as Likely Pathogenic. Algorithms developed to predict the effect of sequence changes on RNA splicing suggest that this variant may disrupt the consensus splice site.

Literature cited by the submitters: PubMed 16199547; PubMed 27769300; PubMed 31045291.